The following is an entry in ClinVar:

ClinVar aggregate classification (germline): Benign/Likely benign. Review status: criteria provided, multiple submitters, no conflicts (2 of 4 stars). 2 submissions from 2 submitters: Benign (1); Likely benign (1). Last evaluated 2025-03-04.

Submissions (2):

Center for Genomic Medicine, Rigshospitalet, Copenhagen University Hospital
Classification: Likely benign. Last evaluated: 2025-03-04. Review status: criteria provided, single submitter. Criteria: ACMG Guidelines, 2015. Collection method: clinical testing. Allele origin: germline.

Women's Health and Genetics/Laboratory Corporation of America, LabCorp
Classification: Benign. Last evaluated: 2018-09-11. Review status: criteria provided, single submitter. Criteria: LabCorp Variant Classification Summary - May 2015. Collection method: clinical testing. Allele origin: germline.
Comment: Variant summary: MSH6 c.627+25_627+27delGTT is an intronic deletion located at a position not widely known to affect splicing. 4/4 computational tools predict no significant impact on normal splicing. However, these predictions have yet to be confirmed by functional studies. The variant allele was found at a frequency of 0.00034 in 276444 control chromosomes, predominantly at a frequency of 0.0033 within the African subpopulation in the gnomAD database. The observed variant frequency within African control individuals in the gnomAD database is approximately 23-fold of the estimated maximal expected allele frequency for a pathogenic variant in MSH6 causing Lynch Syndrome phenotype (0.00014), strongly suggesting that the variant is a benign polymorphism found primarily in populations of African origin. To our knowledge, no occurrence of c.627+25_627+27delGTT in individuals affected with Lynch Syndrome and no experimental evidence demonstrating its impact on protein function have been reported. No clinical diagnostic laboratories have submitted clinical-significance assessments for this variant to ClinVar after 2014. Based on the evidence outlined above, the variant was classified as benign.

NM_000179.3(MSH6):c.627+25_627+27del

Gene: MSH6 (mutS homolog 6; plus strand). Cytogenetic location: 2p16.3.
Variant type: Microsatellite.
Coding change: c.627+25_627+27del on transcript NM_000179.3 (MANE Select); bases 25 to 27 of the intron after coding-DNA position 627, 3 bases deleted (GTT; older notation c.627+25_627+27delGTT).
Molecular consequence: intron variant.
Genome position (GRCh38, 1-based): chr2:47,796,088-47,796,090, GTT deleted; deleting any 3 consecutive bases within chr2:47,796,085-47,796,090 gives the same sequence; the c. name uses the placement nearest the transcript's 3' end. VCF-style (leftmost placement, unchanged base first): chr2-47796084-AGTT-A. GRCh37 (hg19) VCF-style: chr2-48023223-AGTT-A.
Other names: c.-279-2523_-279-2521del (NM_001281493.2); c.238-2523_238-2521del (NM_001281492.2); c.-276+25_-276+27del (NM_001281494.2); c.627+25_627+27delGTT (NM_000179.2, NM_000179.3).
Identifiers: ClinVar variation 633319 (VCV000633319.3), dbSNP rs560035113, ClinGen allele CA073183.
Genomic context (GRCh38, chr2:47,796,084, plus strand): 5'-TGATGAGCCCTCAGAGCCAGAAGAGGAAGAAGAGATGGAGGTGGGACACGGCAAGCATTC[AGTT>A]GTTATTTATGTTAGGGTGATGGGGGAAGAAAGGGGGAGGGTGTATTAACAAGATACCTTG-3'